The following is an entry in ClinVar:

NM_025179.4(PLXNA2):c.3025C>A (p.Pro1009Thr)

Gene: PLXNA2 (plexin A2; minus strand). Cytogenetic location: 1q32.2.
Variant type: single nucleotide variant.
Coding change: c.3025C>A on transcript NM_025179.4 (MANE Select); coding-DNA position 3025, C replaced by A.
Protein change: p.Pro1009Thr; replaces proline 1009 with threonine.
Molecular consequence: missense variant.
Genome position (GRCh38, 1-based): chr1:208,051,392, G>T on the plus strand (C>A on the coding strand, the complement: PLXNA2 is on the minus strand). VCF-style: chr1-208051392-G-T. GRCh37 (hg19) VCF-style: chr1-208224737-G-T.
Other names: short protein forms P1009T.
Identifiers: ClinVar variation 3354821 (VCV003354821.1).

ClinVar aggregate classification (germline): Uncertain significance (0 of 4 stars; one submission).

Conditions:
PLXNA2-related disorder. Also called: PLXNA2-related condition.

gnomAD v4.1: 14 of 1,612,272 alleles (0.00087%); highest among the groups gnomAD compares: East Asian, 0.0067%; no homozygotes.

Submission:

PreventionGenetics, part of Exact Sciences
Classification: Uncertain significance for PLXNA2-related condition. Last evaluated: 2024-02-20. Review status: no assertion criteria provided. Collection method: clinical testing. Allele origin: germline.
Comment: The PLXNA2 c.3025C>A variant is predicted to result in the amino acid substitution p.Pro1009Thr. To our knowledge, this variant has not been reported in the literature. This variant is reported in 0.045% of alleles in individuals of East Asian descent in gnomAD. At this time, the clinical significance of this variant is uncertain due to the absence of conclusive functional and genetic evidence.